The following is an entry in ClinVar:

ClinVar aggregate classification (germline): Uncertain significance. Review status: criteria provided, multiple submitters, no conflicts (2 of 4 stars). 2 submissions from 2 submitters: Uncertain significance (2). Last evaluated 2025-05-26.

Submissions (2):

GeneDx
Classification: Uncertain significance. Last evaluated: 2025-05-26. Review status: criteria provided, single submitter. Criteria: GeneDx Variant Classification Process June 2021. Collection method: clinical testing. Allele origin: germline. Affected: yes.
Comment: In-frame deletion of 5 amino acids in a non-repeat region; Not observed at significant frequency in large population cohorts (gnomAD); In silico analysis supports a deleterious effect on protein structure/function; Has not been previously published as pathogenic or benign to our knowledge

Labcorp Genetics (formerly Invitae), Labcorp
Classification: Uncertain significance. Last evaluated: 2024-06-08. Review status: criteria provided, single submitter. Criteria: Invitae Variant Classification Sherloc (09022015). Collection method: clinical testing. Allele origin: germline.
Comment: This variant, c.3332_3346del, results in the deletion of 5 amino acid(s) of the INSR protein (p.Leu1111_Leu1115del), but otherwise preserves the integrity of the reading frame. This variant is not present in population databases (gnomAD no frequency). This variant has not been reported in the literature in individuals affected with INSR-related conditions. Experimental studies and prediction algorithms are not available or were not evaluated, and the functional significance of this variant is currently unknown. In summary, the available evidence is currently insufficient to determine the role of this variant in disease. Therefore, it has been classified as a Variant of Uncertain Significance.

NM_000208.4(INSR):c.3332_3346del (p.Leu1111_Leu1115del)

Gene: INSR (insulin receptor; minus strand). Cytogenetic location: 19p13.2.
Variant type: Deletion.
Coding change: c.3332_3346del on transcript NM_000208.4 (MANE Select); coding-DNA positions 3332 to 3346, 15 bases deleted (TGAAGAGCTACCTCC).
Protein change: p.Leu1111_Leu1115del.
Genome position (GRCh38, 1-based): chr19:7,122,902-7,122,916, GGAGGTAGCTCTTCA deleted on the plus strand (TGAAGAGCTACCTCC on the coding strand, the reverse complement: INSR is on the minus strand); deleting any 15 consecutive bases within chr19:7,122,902-7,122,918 gives the same sequence; the c. name uses the placement nearest the transcript's 3' end. VCF-style (leftmost placement, unchanged base first): chr19-7122901-CGGAGGTAGCTCTTCA-C. GRCh37 (hg19) VCF-style: chr19-7122912-CGGAGGTAGCTCTTCA-C.
Other names: c.3296_3310del, p.Leu1099_Leu1103del (NM_001079817.3); c.3332_3346del (NM_000208.2).
Identifiers: ClinVar variation 3655738 (VCV003655738.3).